The following is an entry in ClinVar:

ClinVar aggregate classification (germline): Uncertain significance. Review status: criteria provided, multiple submitters, no conflicts (2 of 4 stars). 3 submissions from 3 submitters: Uncertain significance (3). Last evaluated 2025-06-17.

Conditions:
Inborn genetic diseases. Identifiers: MedGen C0950123, MeSH D030342.

Allele frequency attached by ClinVar (database versions not stated): TOPMed 0.00001.
gnomAD v4.1: 9 of 1,613,976 alleles (0.00056%); highest among the groups gnomAD compares: Non-Finnish European, 0.00076%; no homozygotes.

Submissions (3):

Women's Health and Genetics/Laboratory Corporation of America, LabCorp
Classification: Uncertain significance. Last evaluated: 2025-06-17. Review status: criteria provided, single submitter. Criteria: LabCorp Variant Classification Summary - May 2015. Collection method: clinical testing. Allele origin: germline.
Comment: Variant summary: NALCN c.4465C>T (p.Arg1489Cys) results in a non-conservative amino acid change in the encoded protein sequence. Algorithms developed to predict the effect of missense changes on protein structure and function all suggest that this variant is likely to be disruptive. The variant was absent in 250754 control chromosomes. The available data on variant occurrences in the general population are insufficient to allow any conclusion about variant significance. To our knowledge, no occurrence of c.4465C>T in individuals affected with Congenital Contractures Of The Limbs And Face, Hypotonia, And Developmental Delay and no experimental evidence demonstrating its impact on protein function have been reported. ClinVar contains an entry for this variant (Variation ID: 3174234). Based on the evidence outlined above, the variant was classified as uncertain significance.

GeneDx
Classification: Uncertain significance. Last evaluated: 2023-07-14. Review status: criteria provided, single submitter. Criteria: GeneDx Variant Classification Process June 2021. Collection method: clinical testing. Allele origin: germline. Affected: yes.
Comment: Not observed at significant frequency in large population cohorts (gnomAD); In silico analysis supports that this missense variant has a deleterious effect on protein structure/function; Has not been previously published as pathogenic or benign to our knowledge

Ambry Genetics
Classification: Uncertain significance for Inborn genetic diseases. Last evaluated: 2023-02-27. Review status: criteria provided, single submitter. Criteria: Ambry Variant Classification Scheme 2023. Collection method: clinical testing. Allele origin: germline.

NM_052867.4(NALCN):c.4465C>T (p.Arg1489Cys)

Gene: NALCN (sodium leak channel, non-selective; minus strand). Cytogenetic location: 13q32.3.
Variant type: single nucleotide variant.
Coding change: c.4465C>T on transcript NM_052867.4 (MANE Select); coding-DNA position 4465, C replaced by T.
Protein change: p.Arg1489Cys; replaces arginine 1489 with cysteine.
Molecular consequence: missense variant.
Genome position (GRCh38, 1-based): chr13:101,065,543, G>A on the plus strand (C>T on the coding strand, the complement: NALCN is on the minus strand). VCF-style: chr13-101065543-G-A. GRCh37 (hg19) VCF-style: chr13-101717895-G-A.
Other names: c.4552C>T, p.Arg1518Cys (NM_001350748.2); c.4465C>T, p.Arg1489Cys (NM_001350749.2); c.4378C>T, p.Arg1460Cys (NM_001350750.2, NM_001350751.2); short protein forms R1489C, R1518C, R1460C.
Identifiers: ClinVar variation 3174234 (VCV003174234.3), dbSNP rs1290053903, ClinGen allele CA388645578.